The following is an entry in ClinVar:

NM_002471.4(MYH6):c.1042G>A (p.Ala348Thr)

Gene: MYH6 (myosin heavy chain 6; minus strand). Cytogenetic location: 14q11.2.
Variant type: single nucleotide variant.
Coding change: c.1042G>A on transcript NM_002471.4 (MANE Select); coding-DNA position 1042, G replaced by A.
Protein change: p.Ala348Thr; replaces alanine 348 with threonine.
Molecular consequence: missense variant.
Genome position (GRCh38, 1-based): chr14:23,402,563, C>T on the plus strand (G>A on the coding strand, the complement: MYH6 is on the minus strand). VCF-style: chr14-23402563-C-T. GRCh37 (hg19) VCF-style: chr14-23871772-C-T.
Other names: short protein forms A348T.
Identifiers: ClinVar variation 1049504 (VCV001049504.7), dbSNP rs1002843684, ClinGen allele CA257795121.

ClinVar aggregate classification (germline): Uncertain significance. Review status: criteria provided, multiple submitters, no conflicts (2 of 4 stars). 4 submissions from 4 submitters: Uncertain significance (3). 1 of the submissions does not count toward it. Last evaluated 2024-03-28.

Conditions:
Cardiovascular phenotype. Identifiers: MedGen CN230736.
Hypertrophic cardiomyopathy 14. Identifiers: MedGen C2750467, MONDO:0013197, OMIM 613251.
Hypertrophic cardiomyopathy 1 (CMH1). Also called: Familial hypertrophic cardiomyopathy 1; MYH7-Related Familial Hypertrophic Cardiomyopathy. Identifiers: MedGen C3495498, MONDO:0008647, OMIM 192600.
Sick sinus syndrome 3, susceptibility to (SSS3). Identifiers: Orphanet 166282, MedGen C3279791, MONDO:0013568, OMIM 614090.
Dilated cardiomyopathy 1EE (CMD1EE). Identifiers: Orphanet 154, MedGen C2750466, MONDO:0013198, OMIM 613252.
Atrial septal defect 3 (ASD3). Identifiers: Orphanet 1478, MedGen C3279790, MONDO:0013567, OMIM 614089.

Allele frequency attached by ClinVar (database versions not stated): gnomAD 0.00001; gnomAD exomes 0.00002; TOPMed 0.00002.
gnomAD v4.1: 10 of 1,613,828 alleles (0.00062%); highest among the groups gnomAD compares: Middle Eastern, 0.016%; no homozygotes.

Submissions (4):

Labcorp Genetics (formerly Invitae), Labcorp
Classification: Uncertain significance for Hypertrophic cardiomyopathy 14. Last evaluated: 2024-03-28. Review status: criteria provided, single submitter. Criteria: Invitae Variant Classification Sherloc (09022015). Collection method: clinical testing. Allele origin: germline.
Comment: This sequence change replaces alanine, which is neutral and non-polar, with threonine, which is neutral and polar, at codon 348 of the MYH6 protein (p.Ala348Thr). This variant is present in population databases (no rsID available, gnomAD 0.006%). This variant has not been reported in the literature in individuals affected with MYH6-related conditions. ClinVar contains an entry for this variant (Variation ID: 1049504). Advanced modeling of protein sequence and biophysical properties (such as structural, functional, and spatial information, amino acid conservation, physicochemical variation, residue mobility, and thermodynamic stability) performed at Invitae indicates that this missense variant is not expected to disrupt MYH6 protein function with a negative predictive value of 80%. In summary, the available evidence is currently insufficient to determine the role of this variant in disease. Therefore, it has been classified as a Variant of Uncertain Significance.

Fulgent Genetics
Classification: Uncertain significance for Hypertrophic cardiomyopathy 1; Hypertrophic cardiomyopathy 14; Dilated cardiomyopathy 1EE; Atrial septal defect 3; Sick sinus syndrome 3, susceptibility to. Last evaluated: 2022-02-14. Review status: criteria provided, single submitter. Criteria: ACMG Guidelines, 2015. Collection method: clinical testing. Allele origin: unknown.

Ambry Genetics
Classification: Uncertain significance for Cardiovascular phenotype. Last evaluated: 2021-04-27. Review status: criteria provided, single submitter. Criteria: Ambry Variant Classification Scheme 2023. Collection method: clinical testing. Allele origin: germline.
Comment: The p.A348T variant (also known as c.1042G>A), located in coding exon 10 of the MYH6 gene, results from a G to A substitution at nucleotide position 1042. The alanine at codon 348 is replaced by threonine, an amino acid with similar properties. This amino acid position is not well conserved in available vertebrate species, and threonine is the reference amino acid in other vertebrate species. In addition, this alteration is predicted to be tolerated by in silico analysis. Since supporting evidence is limited at this time, the clinical significance of this alteration remains unclear.

Department of Pathology and Laboratory Medicine, Sinai Health System
Classification: Uncertain significance. Review status: no assertion criteria provided. Collection method: clinical testing. Allele origin: unknown. Affected: yes. Study: The Canadian Open Genetics Repository (COGR). Not counted in ClinVar's aggregate classification.